The following is an entry in ClinVar:

Conditions:
Breast-ovarian cancer, familial, susceptibility to, 1 (BROVCA1). Also called: BRCA1 Hereditary Breast and Ovarian Cancer; OVARIAN CANCER, SUSCEPTIBILITY TO. Identifiers: Orphanet 145, MedGen C2676676, MONDO:0011450, OMIM 604370. Disease mechanism: loss of function.

Submission:

Brotman Baty Institute, University of Washington
No classification provided (evidence only). Condition: Breast-ovarian cancer, familial 1. Review status: no classification provided. Collection method: in vitro. Allele origin: not applicable. Functional consequence: functionally_normal.
ClinVar note: "not provided" was previously submitted as the classification for the variant. However, the classification appeared to be based only on an observation of functional data so it was converted to no classification on 2025-07-30.

NM_007294.4(BRCA1):c.5559C>T (p.Tyr1853=)

Gene: BRCA1 (BRCA1 DNA repair associated; minus strand). Cytogenetic location: 17q21.31.
Variant type: single nucleotide variant.
Coding change: c.5559C>T on transcript NM_007294.4 (MANE Select); coding-DNA position 5559, C replaced by T.
Protein change: p.Tyr1853=; no amino-acid change (tyrosine 1853 retained).
Molecular consequence: synonymous variant. On other transcripts: 3 prime UTR variant (17).
Genome position (GRCh38, 1-based): chr17:43,045,711, G>A on the plus strand (C>T on the coding strand, the complement: BRCA1 is on the minus strand). VCF-style: chr17-43045711-G-A. GRCh37 (hg19) VCF-style: chr17-41197728-G-A.
Other names: c.5427C>T, p.Tyr1809= (NM_001407690.1, NM_001407691.1); c.5418C>T, p.Tyr1806= (NM_001407692.1, NM_001407694.1, NM_001407695.1 and 12 more transcripts); c.5415C>T, p.Tyr1805= (NM_001407732.1, NM_001407733.1, NM_001407734.1 and 18 more transcripts); c.5412C>T, p.Tyr1804= (NM_001407838.1, NM_001407839.1, NM_001407841.1 and 12 more transcripts); c.*73C>T (NM_001407854.1, NM_001407858.1, NM_001407859.1 and 14 more transcripts); c.5358C>T, p.Tyr1786= (NM_001407862.1); c.5355C>T, p.Tyr1785= (NM_001407863.1); c.5352C>T, p.Tyr1784= (NM_001407874.1, NM_001407875.1); and 74 more.
Identifiers: ClinVar variation 867665 (VCV000867665.3), dbSNP rs80357336, ClinGen allele CA500142882.